The following is an entry in ClinVar:

ClinVar aggregate classification (germline): Pathogenic. Review status: criteria provided, multiple submitters, no conflicts (2 of 4 stars). 3 submissions from 3 submitters: Pathogenic (3). Last evaluated 2021-12-15.

Conditions:
Cardiovascular phenotype. Identifiers: MedGen CN230736.
Duchenne muscular dystrophy (DMD). Also called: MUSCULAR DYSTROPHY, PSEUDOHYPERTROPHIC PROGRESSIVE, DUCHENNE TYPE; Duchenne Muscular Dystrophy (DMD). Identifiers: Orphanet 98896, MedGen C0013264, MONDO:0010679, OMIM 310200.

gnomAD v4.1: 1 of 1,210,840 alleles (0.000083%); highest among the groups gnomAD compares: Non-Finnish European, 0.00011%; no homozygotes.

Submissions (3):

Labcorp Genetics (formerly Invitae), Labcorp
Classification: Pathogenic for Duchenne muscular dystrophy. Last evaluated: 2021-12-15. Review status: criteria provided, single submitter. Criteria: Invitae Variant Classification Sherloc (09022015). Collection method: clinical testing. Allele origin: germline.
Comment: For these reasons, this variant has been classified as Pathogenic. ClinVar contains an entry for this variant (Variation ID: 593295). This premature translational stop signal has been observed in individual(s) with Duchenne muscular dystrophy (PMID: 19937601). This variant is not present in population databases (gnomAD no frequency). This sequence change creates a premature translational stop signal (p.Glu1074*) in the DMD gene. It is expected to result in an absent or disrupted protein product. Loss-of-function variants in DMD are known to be pathogenic (PMID: 16770791, 25007885).

Ambry Genetics
Classification: Pathogenic for Cardiovascular phenotype. Last evaluated: 2018-11-02. Review status: criteria provided, single submitter. Criteria: Ambry Variant Classification Scheme 2023. Collection method: clinical testing. Allele origin: germline.
Comment: The p.E1074* pathogenic mutation (also known as c.3220G>T), located in coding exon 24 of the DMD gene, results from a G to T substitution at nucleotide position 3220. This changes the amino acid from a glutamic acid to a stop codon within coding exon 24. This mutation has been reported in individuals with Duchenne muscular dystrophy (DMD) (Mendell JR et al. Neurology, 2001 Aug;57:645-50; Chamova T et al. Balkan J. Med. Genet., 2013 Jun;16:21-30). In addition to the clinical data presented in the literature, this alteration is expected to result in loss of function by premature protein truncation or nonsense-mediated mRNA decay. As such, this alteration is interpreted as a disease-causing mutation.

Eurofins Ntd Llc (ga)
Classification: Pathogenic. Last evaluated: 2017-07-27. Review status: criteria provided, single submitter. Criteria: EGL Classification Definitions 2015. Collection method: clinical testing. Allele origin: germline.

Literature cited by the submitters: PubMed 19937601 (cited by Labcorp Genetics (formerly Invitae), Labcorp); PubMed 16770791 (cited by Labcorp Genetics (formerly Invitae), Labcorp); PubMed 25007885 (cited by Labcorp Genetics (formerly Invitae), Labcorp); PubMed 11524473 (cited by Ambry Genetics); PubMed 24265581 (cited by Ambry Genetics).

NM_004006.3(DMD):c.3220G>T (p.Glu1074Ter)

Gene: DMD (dystrophin; minus strand). Cytogenetic location: Xp21.1.
Variant type: single nucleotide variant.
Coding change: c.3220G>T on transcript NM_004006.3 (MANE Select); coding-DNA position 3220, G replaced by T.
Protein change: p.Glu1074Ter; replaces glutamic acid 1074 with a stop codon.
Molecular consequence: nonsense.
Genome position (GRCh38, 1-based): chrX:32,464,642, C>A on the plus strand (G>T on the coding strand, the complement: DMD is on the minus strand). VCF-style: chrX-32464642-C-A. GRCh37 (hg19) VCF-style: chrX-32482759-C-A.
Other names: c.3196G>T, p.Glu1066Ter (NM_000109.4); c.3208G>T, p.Glu1070Ter (NM_004009.3); c.2851G>T, p.Glu951Ter (NM_004010.3); short protein forms E1074*, E1066*, E1070*, E951*.
Identifiers: ClinVar variation 593295 (VCV000593295.16), dbSNP rs1569563751, ClinGen allele CA412664914.